The following is an entry in ClinVar:

ClinVar aggregate classification (germline): Uncertain significance (1 of 4 stars; one submission).

Conditions:
Duchenne muscular dystrophy (DMD). Also called: Duchenne Muscular Dystrophy (DMD); MUSCULAR DYSTROPHY, PSEUDOHYPERTROPHIC PROGRESSIVE, DUCHENNE TYPE. Identifiers: Orphanet 98896, MedGen C0013264, MONDO:0010679, OMIM 310200.

Allele frequency attached by ClinVar (database versions not stated): gnomAD exomes below 0.00001.
gnomAD v4.1: 2 of 1,209,726 alleles (0.00017%); highest among the groups gnomAD compares: East Asian, 0.003%; no homozygotes.

Submission:

Labcorp Genetics (formerly Invitae), Labcorp
Classification: Uncertain significance for Duchenne muscular dystrophy. Last evaluated: 2022-02-27. Review status: criteria provided, single submitter. Criteria: Invitae Variant Classification Sherloc (09022015). Collection method: clinical testing. Allele origin: germline.
Comment: This sequence change replaces glutamic acid, which is acidic and polar, with glutamine, which is neutral and polar, at codon 746 of the DMD protein (p.Glu746Gln). This variant is not present in population databases (gnomAD no frequency). This variant has not been reported in the literature in individuals affected with DMD-related conditions. Algorithms developed to predict the effect of missense changes on protein structure and function are either unavailable or do not agree on the potential impact of this missense change (SIFT: "Tolerated"; PolyPhen-2: "Possibly Damaging"; Align-GVGD: "Class C0"). In summary, the available evidence is currently insufficient to determine the role of this variant in disease. Therefore, it has been classified as a Variant of Uncertain Significance.

NM_004006.3(DMD):c.2236G>C (p.Glu746Gln)

Gene: DMD (dystrophin; minus strand). Cytogenetic location: Xp21.1.
Variant type: single nucleotide variant.
Coding change: c.2236G>C on transcript NM_004006.3 (MANE Select); coding-DNA position 2236, G replaced by C.
Protein change: p.Glu746Gln; replaces glutamic acid 746 with glutamine.
Molecular consequence: missense variant.
Genome position (GRCh38, 1-based): chrX:32,518,064, C>G on the plus strand (G>C on the coding strand, the complement: DMD is on the minus strand). VCF-style: chrX-32518064-C-G. GRCh37 (hg19) VCF-style: chrX-32536181-C-G.
Other names: c.2212G>C, p.Glu738Gln (NM_000109.4); c.2224G>C, p.Glu742Gln (NM_004009.3); c.1867G>C, p.Glu623Gln (NM_004010.3); short protein forms E623Q, E738Q, E742Q, E746Q.
Identifiers: ClinVar variation 2415183 (VCV002415183.2), dbSNP rs2148804328, ClinGen allele CA412663884.